The following is an entry in ClinVar:

ClinVar aggregate classification (germline): Uncertain significance (1 of 4 stars; one submission).

Conditions:
Hereditary cancer-predisposing syndrome. Also called: Tumor predisposition; Hereditary Cancer Syndrome; Neoplastic Syndromes, Hereditary; Hereditary neoplastic syndrome. Identifiers: Orphanet 140162, MedGen C0027672, MeSH D009386, MONDO:0015356.

Allele frequency attached by ClinVar (database versions not stated): gnomAD exomes below 0.00001.
gnomAD v4.1: 1 of 1,609,458 alleles (0.000062%); highest among the groups gnomAD compares: East Asian, 0.0022%; no homozygotes.

Submission:

Ambry Genetics
Classification: Uncertain significance for Hereditary cancer-predisposing syndrome. Last evaluated: 2019-09-13. Review status: criteria provided, single submitter. Criteria: Ambry Variant Classification Scheme 2023. Collection method: clinical testing. Allele origin: germline.
Comment: The p.S3L variant (also known as c.8C>T), located in coding exon 1 of the BRIP1 gene, results from a C to T substitution at nucleotide position 8. The serine at codon 3 is replaced by leucine, an amino acid with dissimilar properties. This amino acid position is well conserved in available vertebrate species. In addition, the in silico prediction for this alteration is inconclusive. Since supporting evidence is limited at this time, the clinical significance of this alteration remains unclear.

NM_032043.3(BRIP1):c.8C>T (p.Ser3Leu)

Gene: BRIP1 (BRCA1 interacting DNA helicase 1; minus strand). Cytogenetic location: 17q23.2.
Variant type: single nucleotide variant.
Coding change: c.8C>T on transcript NM_032043.3 (MANE Select); coding-DNA position 8, C replaced by T.
Protein change: p.Ser3Leu; replaces serine 3 with leucine.
Molecular consequence: missense variant.
Genome position (GRCh38, 1-based): chr17:61,861,532, G>A on the plus strand (C>T on the coding strand, the complement: BRIP1 is on the minus strand). VCF-style: chr17-61861532-G-A. GRCh37 (hg19) VCF-style: chr17-59938893-G-A.
Other names: short protein forms S3L.
Identifiers: ClinVar variation 822884 (VCV000822884.4), dbSNP rs1603368491, ClinGen allele CA400486088.
Genomic context (GRCh38, chr17:61,861,532, plus strand): 5'-GGGTAAGCTTTATAAGGAAAGTAAATCTTCACCCCACCAATTGTATATTCAGACCACATT[G>A]AAGACATAGTGCTTTCCTGTTTATTTCAGATTCCTAACTACAACAGAAATGAAAATGTCA-3'
Protein context (NP_114432.2, residues 1-13): MS[Ser3Leu]MWSEYTIGGV